The following is an entry in ClinVar:

NM_001368067.1(LDB3):c.788G>A (p.Arg263His)

Gene: LDB3 (LIM domain binding 3; plus strand). Cytogenetic location: 10q23.2.
Variant type: single nucleotide variant.
Coding change: c.788G>A on transcript NM_001368067.1 (MANE Plus Clinical); coding-DNA position 788, G replaced by A.
Protein change: p.Arg263His; replaces arginine 263 with histidine.
Molecular consequence: missense variant. On other transcripts: intron variant (6).
Genome position (GRCh38, 1-based): chr10:86,699,310, G>A. VCF-style: chr10-86699310-G-A. GRCh37 (hg19) VCF-style: chr10-88459067-G-A.
Other names: c.929G>A, p.Arg310His (NM_001080115.2, NM_001368063.1); c.788G>A, p.Arg263His (NM_001080116.1, NM_001368068.1); c.1133G>A, p.Arg378His (NM_001171611.2); c.896+6739G>A (NM_001368064.1, NM_007078.3, NM_001368065.1); c.1100+6739G>A (NM_001171610.2); c.755+6739G>A (NM_001368066.1, NM_001080114.2); short protein forms R263H, R310H, R378H.
Identifiers: ClinVar variation 1011881 (VCV001011881.11), dbSNP rs780518038, ClinGen allele CA5584975.

ClinVar aggregate classification (germline): Conflicting classifications of pathogenicity. Review status: criteria provided, conflicting classifications (1 of 4 stars). 4 submissions from 4 submitters: Uncertain significance (3); Likely benign (1). Last evaluated 2025-09-10.

Conditions:
Myofibrillar myopathy 4. Also called: Zaspopathy (type). Identifiers: Orphanet 98912, MedGen C4721886, MONDO:0012277, OMIM 609452.

Allele frequency attached by ClinVar (database versions not stated): ExAC 0.00001; gnomAD exomes 0.00001 and 0.00002.
gnomAD v4.1: 18 of 1,613,060 alleles (0.0011%); highest among the groups gnomAD compares: Admixed American, 0.005%; no homozygotes.

Submissions (4):

Genomic Medicine Center of Excellence, King Faisal Specialist Hospital and Research Centre
Classification: Uncertain significance for Myofibrillar myopathy 4. Last evaluated: 2025-09-10. Review status: criteria provided, single submitter. Criteria: ACMG Guidelines, 2015. Collection method: clinical testing. Allele origin: germline.

Labcorp Genetics (formerly Invitae), Labcorp
Classification: Uncertain significance for Myofibrillar myopathy 4. Last evaluated: 2022-11-01. Review status: criteria provided, single submitter. Criteria: Invitae Variant Classification Sherloc (09022015). Collection method: clinical testing. Allele origin: germline.
Comment: This variant has not been reported in the literature in individuals affected with LDB3-related conditions. This variant is present in population databases (rs780518038, gnomAD 0.009%). This sequence change replaces arginine, which is basic and polar, with histidine, which is basic and polar, at codon 263 of the LDB3 protein (p.Arg263His). ClinVar contains an entry for this variant (Variation ID: 1011881). In summary, the available evidence is currently insufficient to determine the role of this variant in disease. Therefore, it has been classified as a Variant of Uncertain Significance. Algorithms developed to predict the effect of missense changes on protein structure and function are either unavailable or do not agree on the potential impact of this missense change (SIFT: "Tolerated"; PolyPhen-2: "Probably Damaging"; Align-GVGD: "Class C0").

Blueprint Genetics
Classification: Likely benign. Last evaluated: 2022-10-24. Review status: criteria provided, single submitter. Criteria: ACMG Guidelines, 2015. Collection method: clinical testing. Allele origin: germline.

Revvity Omics, Revvity
Classification: Uncertain significance. Last evaluated: 2019-01-03. Review status: criteria provided, single submitter. Criteria: ACMG Guidelines, 2015. Collection method: clinical testing. Allele origin: germline.